The following is an entry in ClinVar:

ClinVar aggregate classification (germline): Pathogenic/Likely pathogenic. Review status: criteria provided, multiple submitters, no conflicts (2 of 4 stars). 4 submissions from 4 submitters: Pathogenic (1); Likely pathogenic (3). Last evaluated 2024-09-12.

Conditions:
Hemochromatosis type 3 (HFE3). Also called: HEMOCHROMATOSIS DUE TO DEFECT IN TRANSFERRIN RECEPTOR 2; Hereditary hemochromatosis type 3; TFR2-Related Hemochromatosis. Identifiers: Orphanet 225123, MedGen C1858664, MONDO:0011417, OMIM 604250.
Hereditary hemochromatosis (HFE). Identifiers: MedGen C0392514, MONDO:0006507. Disease mechanism: loss of function.

Submissions (4):

Natera, Inc.
Classification: Likely pathogenic for Hereditary hemochromatosis type 3. Last evaluated: 2024-09-12. Review status: criteria provided, single submitter. Criteria: Natera Variant Classification Schema (03/2026). Collection method: clinical testing. Allele origin: germline.
Comment: The c.2183dupC variant in TFR2 is a frameshift variant predicted to shift the reading frame beginning at codon 729 and leads to a stop codon 63 codons downstream. This variant is expected to result in nonsense mediated decay, truncation, or a dysfunctional protein product. This variant is rare in the general population with a frequency below the threshold expected for the associated phenotype(s). Given the available evidence, this variant is classified as Likely Pathogenic.

Fulgent Genetics
Classification: Likely pathogenic for Hemochromatosis type 3. Last evaluated: 2024-05-13. Review status: criteria provided, single submitter. Criteria: ACMG Guidelines, 2015. Collection method: clinical testing. Allele origin: germline.

Baylor Genetics
Classification: Likely pathogenic for Hemochromatosis type 3. Last evaluated: 2023-08-24. Review status: criteria provided, single submitter. Criteria: ACMG Guidelines, 2015. Collection method: clinical testing. Allele origin: unknown.

Labcorp Genetics (formerly Invitae), Labcorp
Classification: Pathogenic for Hereditary hemochromatosis. Last evaluated: 2023-04-18. Review status: criteria provided, single submitter. Criteria: Invitae Variant Classification Sherloc (09022015). Collection method: clinical testing. Allele origin: germline.
Comment: This variant has not been reported in the literature in individuals affected with TFR2-related conditions. For these reasons, this variant has been classified as Pathogenic. This variant disrupts a region of the TFR2 protein in which other variant(s) (p.Gly792Arg) have been determined to be pathogenic (PMID: 16424658, 26029709). This suggests that this is a clinically significant region of the protein, and that variants that disrupt it are likely to be disease-causing. ClinVar contains an entry for this variant (Variation ID: 944552). This variant is not present in population databases (gnomAD no frequency). This sequence change creates a premature translational stop signal (p.Phe729Valfs*63) in the TFR2 gene. While this is not anticipated to result in nonsense mediated decay, it is expected to disrupt the last 73 amino acid(s) of the TFR2 protein.

Literature cited by the submitters: PubMed 16424658 (cited by Labcorp Genetics (formerly Invitae), Labcorp); PubMed 26029709 (cited by Labcorp Genetics (formerly Invitae), Labcorp).

NM_003227.4(TFR2):c.2183dup (p.Phe729fs)

Gene: TFR2 (transferrin receptor 2; minus strand). Cytogenetic location: 7q22.1.
Variant type: Duplication.
Coding change: c.2183dup on transcript NM_003227.4 (MANE Select); coding-DNA position 2183, one base duplicated (C; older notation c.2183dupC).
Protein change: p.Phe729fs; shifts the reading frame from phenylalanine 729.
Molecular consequence: frameshift variant.
Genome position (GRCh38, 1-based): chr7:100,621,080, G duplicated on the plus strand (C on the coding strand, the reverse complement: TFR2 is on the minus strand); the first of 4 consecutive G bases (chr7:100,621,080-100,621,083); duplicating any one gives the same sequence. VCF-style (leftmost placement, unchanged base first): chr7-100621079-C-CG. GRCh37 (hg19) VCF-style: chr7-100218702-C-CG.
Other names: c.1670dup, p.Phe558fs (NM_001206855.3); c.2183dupC (NM_003227.3); short protein forms F558fs, F729fs.
Identifiers: ClinVar variation 944552 (VCV000944552.10), dbSNP rs1803096138, ClinGen allele CA1139659952.